The following is an entry in ClinVar:

NM_001845.6(COL4A1):c.2757C>A (p.Asp919Glu)

Gene: COL4A1 (collagen type IV alpha 1 chain; minus strand). Cytogenetic location: 13q34.
Variant type: single nucleotide variant.
Coding change: c.2757C>A on transcript NM_001845.6 (MANE Select); coding-DNA position 2757, C replaced by A.
Protein change: p.Asp919Glu; replaces aspartic acid 919 with glutamic acid.
Molecular consequence: missense variant.
Genome position (GRCh38, 1-based): chr13:110,176,997, G>T on the plus strand (C>A on the coding strand, the complement: COL4A1 is on the minus strand). VCF-style: chr13-110176997-G-T. GRCh37 (hg19) VCF-style: chr13-110829344-G-T.
Other names: short protein forms D919E.
Identifiers: ClinVar variation 2969470 (VCV002969470.3), dbSNP rs767698381, ClinGen allele CA7047488.

ClinVar aggregate classification (germline): Uncertain significance (1 of 4 stars; one submission).

Allele frequency attached by ClinVar (database versions not stated): TOPMed below 0.00001; ExAC 0.00002.
gnomAD v4.1: 6 of 1,614,080 alleles (0.00037%); highest among the groups gnomAD compares: South Asian, 0.0022%; no homozygotes.

Submission:

Labcorp Genetics (formerly Invitae), Labcorp
Classification: Uncertain significance. Last evaluated: 2023-11-21. Review status: criteria provided, single submitter. Criteria: Invitae Variant Classification Sherloc (09022015). Collection method: clinical testing. Allele origin: germline.
Comment: This sequence change replaces aspartic acid, which is acidic and polar, with glutamic acid, which is acidic and polar, at codon 919 of the COL4A1 protein (p.Asp919Glu). This variant is present in population databases (rs767698381, gnomAD 0.003%). This variant has not been reported in the literature in individuals affected with COL4A1-related conditions. An algorithm developed to predict the effect of missense changes on protein structure and function (PolyPhen-2) suggests that this variant is likely to be tolerated. In summary, the available evidence is currently insufficient to determine the role of this variant in disease. Therefore, it has been classified as a Variant of Uncertain Significance.